The following is an entry in ClinVar:

ClinVar aggregate classification (germline): Pathogenic (1 of 4 stars; one submission).

Submission:

Labcorp Genetics (formerly Invitae), Labcorp
Classification: Pathogenic. Last evaluated: 2025-12-14. Review status: criteria provided, single submitter. Criteria: Invitae Variant Classification Sherloc (09022015). Collection method: clinical testing. Allele origin: germline.
Comment: This sequence change creates a premature translational stop signal (p.Cys122*) in the PDE6B gene. It is expected to result in an absent or disrupted protein product. Loss-of-function variants in PDE6B are known to be pathogenic (PMID: 8394174, 8595886, 22334370). This variant is not present in population databases (gnomAD no frequency). This variant has not been reported in the literature in individuals affected with PDE6B-related conditions. For these reasons, this variant has been classified as Pathogenic.

Literature cited by the submitters: PubMed 8394174; PubMed 8595886; PubMed 22334370.

NM_000283.4(PDE6B):c.366C>A (p.Cys122Ter)

Gene: PDE6B (phosphodiesterase 6B; plus strand). Cytogenetic location: 4p16.3.
Variant type: single nucleotide variant.
Coding change: c.366C>A on transcript NM_000283.4 (MANE Select); coding-DNA position 366, C replaced by A.
Protein change: p.Cys122Ter; replaces cysteine 122 with a stop codon.
Molecular consequence: nonsense.
Genome position (GRCh38, 1-based): chr4:625,992, C>A. VCF-style: chr4-625992-C-A. GRCh37 (hg19) VCF-style: chr4-619781-C-A.
Other names: c.366C>A, p.Cys122Ter (NM_001145291.2, NM_001440547.1, NM_001440548.1); short protein forms C122*.
Identifiers: ClinVar variation 4733166 (VCV004733166.1).